The following is an entry in ClinVar:

ClinVar aggregate classification (germline): Uncertain significance (1 of 4 stars; one submission).

Submission:

Labcorp Genetics (formerly Invitae), Labcorp
Classification: Uncertain significance. Last evaluated: 2025-08-22. Review status: criteria provided, single submitter. Criteria: Invitae Variant Classification Sherloc (09022015). Collection method: clinical testing. Allele origin: germline.
Comment: This sequence change replaces serine, which is neutral and polar, with proline, which is neutral and non-polar, at codon 380 of the TRIM8 protein (p.Ser380Pro). This variant is present in population databases (no rsID available, gnomAD 0.01%). This variant has not been reported in the literature in individuals affected with TRIM8-related conditions. ClinVar contains an entry for this variant (Variation ID: 3688393). An algorithm developed to predict the effect of missense changes on protein structure and function (PolyPhen-2) suggests that this variant is likely to be disruptive. In summary, the available evidence is currently insufficient to determine the role of this variant in disease. Therefore, it has been classified as a Variant of Uncertain Significance.

NM_030912.3(TRIM8):c.1138T>C (p.Ser380Pro)

Gene: TRIM8 (tripartite motif containing 8; plus strand). Cytogenetic location: 10q24.32.
Variant type: single nucleotide variant.
Coding change: c.1138T>C on transcript NM_030912.3 (MANE Select); coding-DNA position 1138, T replaced by C.
Protein change: p.Ser380Pro; replaces serine 380 with proline.
Molecular consequence: missense variant. On other transcripts: non-coding transcript variant (1).
Genome position (GRCh38, 1-based): chr10:102,656,836, T>C. VCF-style: chr10-102656836-T-C. GRCh37 (hg19) VCF-style: chr10-104416593-T-C.
Other names: c.1042T>C, p.Ser348Pro (NM_001345950.1); short protein forms S348P, S380P.
Identifiers: ClinVar variation 3688393 (VCV003688393.2).